The following is an entry in ClinVar:

ClinVar aggregate classification (germline): Conflicting classifications of pathogenicity. Review status: criteria provided, conflicting classifications (1 of 4 stars). 3 submissions from 3 submitters: Pathogenic (1); Likely pathogenic (1); Uncertain significance (1). Last evaluated 2025-09-22.

Conditions:
Intellectual disability. Also called: Intellectual functioning disability; intellectual disabilities; Intellectual developmental disorder. Identifiers: MedGen C3714756, MeSH D008607, MONDO:0001071, HP:0001249.

gnomAD v4.1: 83 of 1,611,892 alleles (0.0051%); highest among the groups gnomAD compares: Non-Finnish European, 0.0066%; no homozygotes.

Submissions (3):

GeneDx
Classification: Likely pathogenic. Last evaluated: 2025-09-22. Review status: criteria provided, single submitter. Criteria: GeneDx Variant Classification Process June 2021. Collection method: clinical testing. Allele origin: germline. Affected: yes.
Comment: Nonsense variant predicted to result in protein truncation or nonsense mediated decay in a gene for which loss of function is a known mechanism of disease; Identified as a de novo variant by exome sequencing in a child with with attention deficit hyperactivity disorder who was also reported to have variants in additional genes (PMID: 38997333); Not observed at significant frequency in large population cohorts (gnomAD); This variant is associated with the following publications: (PMID: 38997333)

Labcorp Genetics (formerly Invitae), Labcorp
Classification: Pathogenic. Last evaluated: 2025-04-28. Review status: criteria provided, single submitter. Criteria: Invitae Variant Classification Sherloc (09022015). Collection method: clinical testing. Allele origin: germline.
Comment: This sequence change creates a premature translational stop signal (p.Arg54*) in the NARS2 gene. It is expected to result in an absent or disrupted protein product. Loss-of-function variants in NARS2 are known to be pathogenic (PMID: 25807530, 26402642). This variant is present in population databases (rs751315158, gnomAD 0.003%). This variant has not been reported in the literature in individuals affected with NARS2-related conditions. ClinVar contains an entry for this variant (Variation ID: 1988177). For these reasons, this variant has been classified as Pathogenic.

Cambridge Genomics Laboratory, East Genomic Laboratory Hub, NHS Genomic Medicine Service
Classification: Uncertain significance for Intellectual disability. Last evaluated: 2019-08-21. Review status: criteria provided, single submitter. Criteria: ACGS Best Practice Guidelines for Variant Classification in Rare Disease 2020. Collection method: clinical testing. Allele origin: germline. Affected: yes. Observed: 1 variant allele.

Literature cited by the submitters: PubMed 25807530 (cited by Labcorp Genetics (formerly Invitae), Labcorp); PubMed 26402642 (cited by Labcorp Genetics (formerly Invitae), Labcorp).

NM_024678.6(NARS2):c.160C>T (p.Arg54Ter)

Gene: NARS2 (asparaginyl-tRNA synthetase 2, mitochondrial; minus strand). Cytogenetic location: 11q14.1.
Variant type: single nucleotide variant.
Coding change: c.160C>T on transcript NM_024678.6 (MANE Select); coding-DNA position 160, C replaced by T.
Protein change: p.Arg54Ter; replaces arginine 54 with a stop codon.
Molecular consequence: nonsense. On other transcripts: 5 prime UTR variant (1).
Genome position (GRCh38, 1-based): chr11:78,571,426, G>A on the plus strand (C>T on the coding strand, the complement: NARS2 is on the minus strand). VCF-style: chr11-78571426-G-A. GRCh37 (hg19) VCF-style: chr11-78282471-G-A.
Other names: c.160C>T (NM_024678.5); c.-522C>T (NM_001243251.2); short protein forms R54*.
Identifiers: ClinVar variation 1988177 (VCV001988177.7), dbSNP rs751315158, ClinGen allele CA6205929.
Genomic context (GRCh38, chr11:78,571,426, plus strand): 5'-GAAGGCTTTCCAAAGATGACCCATCATTTACATGCAGGAACAAGACTTCCTTCTGGGATC[G>A]GACAGAACGAATCCATCCCTAAGGAAGAGAAATATTTCCAATGTGAGCGTAAAACATTTT-3'